The following is an entry in ClinVar:

NM_001289808.2(CRYAB):c.339C>A (p.Phe113Leu)

Gene: CRYAB (crystallin alpha B; minus strand). Cytogenetic location: 11q23.1.
Variant type: single nucleotide variant.
Coding change: c.339C>A on transcript NM_001289808.2 (MANE Select); coding-DNA position 339, C replaced by A.
Protein change: p.Phe113Leu; replaces phenylalanine 113 with leucine.
Molecular consequence: missense variant.
Genome position (GRCh38, 1-based): chr11:111,908,953, G>T on the plus strand (C>A on the coding strand, the complement: CRYAB is on the minus strand). VCF-style: chr11-111908953-G-T. GRCh37 (hg19) VCF-style: chr11-111779677-G-T.
Other names: c.339C>A, p.Phe113Leu (NM_001289807.1, NM_001368245.1, NM_001885.3); c.138C>A, p.Phe46Leu (NM_001330379.1, NM_001368246.1); short protein forms F46L, F113L.
Identifiers: ClinVar variation 4706167 (VCV004706167.1).

ClinVar aggregate classification (germline): Uncertain significance (1 of 4 stars; one submission).

Conditions:
Dilated cardiomyopathy 1II (CMD1II). Identifiers: Orphanet 154, MedGen C3554649, MONDO:0014073, OMIM 615184.

Submission:

Labcorp Genetics (formerly Invitae), Labcorp
Classification: Uncertain significance for Dilated cardiomyopathy 1II. Last evaluated: 2025-09-08. Review status: criteria provided, single submitter. Criteria: Invitae Variant Classification Sherloc (09022015). Collection method: clinical testing. Allele origin: germline.
Comment: This sequence change replaces phenylalanine, which is neutral and non-polar, with leucine, which is neutral and non-polar, at codon 113 of the CRYAB protein (p.Phe113Leu). This variant is present in population databases (no rsID available, gnomAD 0.01%). This variant has not been reported in the literature in individuals affected with CRYAB-related conditions. An algorithm developed to predict the effect of missense changes on protein structure and function (PolyPhen-2) suggests that this variant is likely to be tolerated. In summary, the available evidence is currently insufficient to determine the role of this variant in disease. Therefore, it has been classified as a Variant of Uncertain Significance.